The following is an entry in ClinVar:

NM_005568.5(LHX1):c.621C>T (p.Arg207=)

Gene: LHX1 (LIM homeobox 1; plus strand). Cytogenetic location: 17q12.
Variant type: single nucleotide variant.
Coding change: c.621C>T on transcript NM_005568.5 (MANE Select); coding-DNA position 621, C replaced by T.
Protein change: p.Arg207=; no amino-acid change (arginine 207 retained).
Molecular consequence: synonymous variant.
Genome position (GRCh38, 1-based): chr17:36,940,833, C>T. VCF-style: chr17-36940833-C-T. GRCh37 (hg19) VCF-style: chr17-35298130-C-T.
Identifiers: ClinVar variation 3045827 (VCV003045827.2), dbSNP rs377505639, ClinGen allele CA8513708.

ClinVar aggregate classification (germline): Likely benign (0 of 4 stars; one submission).

Conditions:
LHX1-related disorder. Also called: LHX1-related condition.

Allele frequency attached by ClinVar (database versions not stated): gnomAD exomes 0.00003; gnomAD 0.00013; TOPMed 0.00015; ExAC 0.00016.

Submission:

PreventionGenetics, part of Exact Sciences
Classification: Likely benign for LHX1-related condition. Last evaluated: 2019-10-28. Review status: no assertion criteria provided. Collection method: clinical testing. Allele origin: germline.
Comment: This variant is classified as likely benign based on ACMG/AMP sequence variant interpretation guidelines (Richards et al. 2015 PMID: 25741868, with internal and published modifications).